The following is an entry in ClinVar:

ClinVar aggregate classification (germline): Uncertain significance (1 of 4 stars; one submission).

Conditions:
CASR-related disorder. Also called: CASR-related condition.

Submission:

PreventionGenetics, part of Exact Sciences
Classification: Uncertain significance for CASR-related condition. Last evaluated: 2026-02-05. Review status: criteria provided, single submitter. Criteria: ACMG Guidelines, 2015. Collection method: clinical testing. Allele origin: germline.
Comment: The CASR c.385T>C variant is predicted to result in the amino acid substitution p.Cys129Arg. This variant was reported in an individual with autosomal dominant hypocalcemia (Cole et al. 2009. PubMed ID: 19179454). This variant has not been reported in a large population database (gnomAD), indicating this variant is rare. At this time, the clinical significance of this variant is uncertain due to the absence of conclusive functional and genetic evidence.

NM_000388.4(CASR):c.385T>C (p.Cys129Arg)

Gene: CASR (calcium sensing receptor; plus strand). Cytogenetic location: 3q21.1.
Variant type: single nucleotide variant.
Coding change: c.385T>C on transcript NM_000388.4 (MANE Select); coding-DNA position 385, T replaced by C.
Protein change: p.Cys129Arg; replaces cysteine 129 with arginine.
Molecular consequence: missense variant.
Genome position (GRCh38, 1-based): chr3:122,257,280, T>C. VCF-style: chr3-122257280-T-C. GRCh37 (hg19) VCF-style: chr3-121976127-T-C.
Other names: c.385T>C, p.Cys129Arg (NM_001178065.2); short protein forms C129R.
Identifiers: ClinVar variation 4996595 (VCV004996595.1).
Genomic context (GRCh38, chr3:122,257,280, plus strand): 5'-GAAGCCACCCTGAGTTTTGTTGCTCAAAACAAAATTGATTCTTTGAACCTTGATGAGTTC[T>C]GCAACTGCTCAGAGCACATTCCCTCTACGATTGCTGTGGTGGGAGCAACTGGCTCAGGCG-3'
Protein context (NP_000379.3, residues 119-139): KIDSLNLDEF[Cys129Arg]NCSEHIPSTI